The following is an entry in ClinVar:

NM_033100.4(CDHR1):c.1416C>T (p.Phe472=)

Gene: CDHR1 (cadherin related family member 1; plus strand). Cytogenetic location: 10q23.1.
Variant type: single nucleotide variant.
Coding change: c.1416C>T on transcript NM_033100.4 (MANE Select); coding-DNA position 1416, C replaced by T.
Protein change: p.Phe472=; no amino-acid change (phenylalanine 472 retained).
Molecular consequence: synonymous variant.
Genome position (GRCh38, 1-based): chr10:84,211,096, C>T. VCF-style: chr10-84211096-C-T. GRCh37 (hg19) VCF-style: chr10-85970852-C-T.
Other names: c.1416C>T, p.Phe472= (NM_001171971.3); c.1416C>T (NM_033100.3).
Identifiers: ClinVar variation 1077450 (VCV001077450.12), dbSNP rs746827276, ClinGen allele CA5579932.

ClinVar aggregate classification (germline): Likely benign. Review status: criteria provided, multiple submitters, no conflicts (2 of 4 stars). 3 submissions from 3 submitters: Likely benign (3). Last evaluated 2026-01-12.

Conditions:
CDHR1-related disorder. Also called: CDHR1-related condition.

Allele frequency attached by ClinVar (database versions not stated): ExAC 0.00002; TOPMed 0.00002; gnomAD 0.00003 and 0.00004; gnomAD exomes 0.00003.
gnomAD v4.1: 46 of 1,614,108 alleles (0.0028%); highest among the groups gnomAD compares: Non-Finnish European, 0.0038%; no homozygotes.

Submissions (3):

Labcorp Genetics (formerly Invitae), Labcorp
Classification: Likely benign. Last evaluated: 2026-01-12. Review status: criteria provided, single submitter. Criteria: Invitae Variant Classification Sherloc (09022015). Collection method: clinical testing. Allele origin: germline.

PreventionGenetics, part of Exact Sciences
Classification: Likely benign for CDHR1-related condition. Last evaluated: 2024-11-22. Review status: criteria provided, single submitter. Criteria: ACMG Guidelines, 2015. Collection method: clinical testing. Allele origin: germline.
Comment: This variant is classified as likely benign based on ACMG/AMP sequence variant interpretation guidelines (Richards et al. 2015 PMID: 25741868, with internal and published modifications).

Blueprint Genetics
Classification: Likely benign. Last evaluated: 2024-09-30. Review status: criteria provided, single submitter. Criteria: ACMG Guidelines, 2015. Collection method: clinical testing. Allele origin: germline.